The following is an entry in ClinVar:

NM_001244710.2(GFPT1):c.275C>G (p.Ala92Gly)

Gene: GFPT1 (glutamine--fructose-6-phosphate transaminase 1; minus strand). Cytogenetic location: 2p13.3.
Variant type: single nucleotide variant.
Coding change: c.275C>G on transcript NM_001244710.2 (MANE Select); coding-DNA position 275, C replaced by G.
Protein change: p.Ala92Gly; replaces alanine 92 with glycine.
Molecular consequence: missense variant.
Genome position (GRCh38, 1-based): chr2:69,363,619, G>C on the plus strand (C>G on the coding strand, the complement: GFPT1 is on the minus strand). VCF-style: chr2-69363619-G-C. GRCh37 (hg19) VCF-style: chr2-69590751-G-C.
Other names: c.275C>G, p.Ala92Gly (NM_002056.4); c.275C>G (NM_002056.3); short protein forms A92G.
Identifiers: ClinVar variation 1513166 (VCV001513166.6), dbSNP rs755890938, ClinGen allele CA1693931.
Genomic context (GRCh38, chr2:69,363,619, plus strand): 5'-GAGCGCTGGGGGTGGCTATTGACAGGACTGGGTTCTCCATGTGTTGCCCAACGGGTATGA[G>C]CTATTCCAAGGTGTACATCAAATTCTATATCCAAATCCATATCTTGTTGCTCTGAAGAAT-3'
Protein context (NP_001231639.1, residues 82-102): DIEFDVHLGI[Ala92Gly]HTRWATHGEP

ClinVar aggregate classification (germline): Uncertain significance. Review status: criteria provided, multiple submitters, no conflicts (2 of 4 stars). 2 submissions from 2 submitters: Uncertain significance (2). Last evaluated 2021-09-01.

Conditions:
Inborn genetic diseases. Identifiers: MedGen C0950123, MeSH D030342.
Congenital myasthenic syndrome 12 (CMS12). Also called: MYASTHENIC SYNDROME, CONGENITAL, WITH TUBULAR AGGREGATES 1; Myasthenia, congenital, 12, with tubular aggregates. Identifiers: Orphanet 353327, Orphanet 590, MedGen C3552335, MONDO:0012518, OMIM 610542.

Allele frequency attached by ClinVar (database versions not stated): ExAC 0.00001; gnomAD 0.00001; TOPMed 0.00001.
gnomAD v4.1: 20 of 1,609,248 alleles (0.0012%); highest among the groups gnomAD compares: Non-Finnish European, 0.0017%; no homozygotes.

Submissions (2):

Labcorp Genetics (formerly Invitae), Labcorp
Classification: Uncertain significance for Congenital myasthenic syndrome 12. Last evaluated: 2021-09-01. Review status: criteria provided, single submitter. Criteria: Invitae Variant Classification Sherloc (09022015). Collection method: clinical testing. Allele origin: germline.
Comment: This sequence change replaces alanine with glycine at codon 92 of the GFPT1 protein (p.Ala92Gly). The alanine residue is highly conserved and there is a small physicochemical difference between alanine and glycine. This variant is present in population databases (rs755890938, ExAC 0.01%). This variant has not been reported in the literature in individuals affected with GFPT1-related conditions. Algorithms developed to predict the effect of missense changes on protein structure and function are either unavailable or do not agree on the potential impact of this missense change (SIFT: "Deleterious"; PolyPhen-2: "Possibly Damaging"; Align-GVGD: "Class C0"). In summary, the available evidence is currently insufficient to determine the role of this variant in disease. Therefore, it has been classified as a Variant of Uncertain Significance.

Ambry Genetics
Classification: Uncertain significance for Inborn genetic diseases. Last evaluated: 2021-08-02. Review status: criteria provided, single submitter. Criteria: Ambry Variant Classification Scheme 2023. Collection method: clinical testing. Allele origin: germline.